The following is an entry in ClinVar:

ClinVar aggregate classification (germline): Uncertain significance (1 of 4 stars; one submission).

Submission:

GeneDx
Classification: Uncertain significance. Last evaluated: 2024-01-09. Review status: criteria provided, single submitter. Criteria: GeneDx Variant Classification Process June 2021. Collection method: clinical testing. Allele origin: germline. Affected: yes.
Comment: Not observed at significant frequency in large population cohorts (gnomAD); In silico analysis supports that this missense variant has a deleterious effect on protein structure/function; Has not been previously published as pathogenic or benign to our knowledge

NM_001387430.1(SH2B1):c.1189T>C (p.Ser397Pro)

Gene: SH2B1 (SH2B adaptor protein 1; plus strand). Cytogenetic location: 16p11.2.
Variant type: single nucleotide variant.
Coding change: c.1189T>C on transcript NM_001387430.1 (MANE Select); coding-DNA position 1189, T replaced by C.
Protein change: p.Ser397Pro; replaces serine 397 with proline.
Molecular consequence: missense variant.
Genome position (GRCh38, 1-based): chr16:28,869,263, T>C. VCF-style: chr16-28869263-T-C. GRCh37 (hg19) VCF-style: chr16-28880584-T-C.
Other names: c.1189T>C, p.Ser397Pro (NM_001145795.2, NM_001145796.2, NM_001145797.2 and 4 more transcripts); c.181T>C, p.Ser61Pro (NM_001308294.2); short protein forms S397P, S61P.
Identifiers: ClinVar variation 3367744 (VCV003367744.1).